The following is an entry in ClinVar:

NM_032043.3(BRIP1):c.2390A>C (p.Lys797Thr)

Gene: BRIP1 (BRCA1 interacting DNA helicase 1; minus strand). Cytogenetic location: 17q23.2.
Variant type: single nucleotide variant.
Coding change: c.2390A>C on transcript NM_032043.3 (MANE Select); coding-DNA position 2390, A replaced by C.
Protein change: p.Lys797Thr; replaces lysine 797 with threonine.
Molecular consequence: missense variant.
Genome position (GRCh38, 1-based): chr17:61,716,053, T>G on the plus strand (A>C on the coding strand, the complement: BRIP1 is on the minus strand). VCF-style: chr17-61716053-T-G. GRCh37 (hg19) VCF-style: chr17-59793414-T-G.
Other names: short protein forms K797T.
Identifiers: ClinVar variation 1790559 (VCV001790559.3), dbSNP rs730881622, ClinGen allele CA400479824.

ClinVar aggregate classification (germline): Uncertain significance. Review status: criteria provided, multiple submitters, no conflicts (2 of 4 stars). 2 submissions from 2 submitters: Uncertain significance (2). Last evaluated 2022-01-14.

Conditions:
Familial ovarian cancer. Identifiers: MedGen C5679802, MONDO:0016248.
Hereditary cancer-predisposing syndrome. Also called: Hereditary Cancer Syndrome; Hereditary neoplastic syndrome; Tumor predisposition; Neoplastic Syndromes, Hereditary. Identifiers: Orphanet 140162, MedGen C0027672, MeSH D009386, MONDO:0015356.

Submissions (2):

Department of Pathology and Laboratory Medicine, Sinai Health System
Classification: Uncertain significance for familial ovarian cancer. Last evaluated: 2022-01-14. Review status: criteria provided, single submitter. Criteria: ACMG Guidelines, 2015. Collection method: clinical testing. Allele origin: germline. Affected: no.

Ambry Genetics
Classification: Uncertain significance for Hereditary cancer-predisposing syndrome. Last evaluated: 2021-09-21. Review status: criteria provided, single submitter. Criteria: Ambry Variant Classification Scheme 2023. Collection method: clinical testing. Allele origin: germline.
Comment: The p.K797T variant (also known as c.2390A>C), located in coding exon 16 of the BRIP1 gene, results from an A to C substitution at nucleotide position 2390. The lysine at codon 797 is replaced by threonine, an amino acid with similar properties. This amino acid position is conserved. In addition, this alteration is predicted to be deleterious by in silico analysis. Since supporting evidence is limited at this time, the clinical significance of this alteration remains unclear.